The following is an entry in ClinVar:

ClinVar aggregate classification (germline): Uncertain significance (1 of 4 stars; one submission).

Conditions:
Cerebral cavernous malformation (CCM). Also called: CAVERNOUS ANGIOMA, FAMILIAL; CAVERNOUS ANGIOMATOUS MALFORMATIONS; CEREBRAL CAPILLARY MALFORMATIONS; Cavernous Hemangioma of Brain; Cerebral cavernous hemangioma (type); Cerebral cavernous malformations. Identifiers: Orphanet 221061, MedGen C2919945, MONDO:0000820, OMIM 116860, HP:0033522.

Submission:

Clinical Genomics Laboratory, Washington University in St. Louis
Classification: Uncertain significance for Cerebral cavernous malformation. Last evaluated: 2024-05-08. Review status: criteria provided, single submitter. Criteria: ACMG Guidelines, 2015. Collection method: clinical testing. Allele origin: germline.
Comment: The KRIT1 c.280A>G (p.Met94Val) variant was identified at an allelic fraction of 35.7%. This variant, to our knowledge, has not been reported in the medical literature and is absent from the general population (gnomAD v.4.1.0), indicating it is not a common variant. Computational predictors suggest that the variant does not impact KRIT1 function. Due to limited information, and based on ACMG/AMP guidelines for variant interpretation (Richards S e tal., PMID: 25741868), is classified as being of uncertain significance at this time.

NM_194454.3(KRIT1):c.280A>G (p.Met94Val)

Gene: KRIT1 (KRIT1 ankyrin repeat containing; minus strand). Cytogenetic location: 7q21.2.
Variant type: single nucleotide variant.
Coding change: c.280A>G on transcript NM_194454.3 (MANE Select); coding-DNA position 280, A replaced by G.
Protein change: p.Met94Val; replaces methionine 94 with valine.
Molecular consequence: missense variant. On other transcripts: 5 prime UTR variant (1).
Genome position (GRCh38, 1-based): chr7:92,237,742, T>C on the plus strand (A>G on the coding strand, the complement: KRIT1 is on the minus strand). VCF-style: chr7-92237742-T-C. GRCh37 (hg19) VCF-style: chr7-91867056-T-C.
Other names: c.280A>G, p.Met94Val (NM_001013406.2, NM_001350669.1, NM_001350670.1 and 29 more transcripts); c.-304A>G (NM_001350671.1); short protein forms M94V.
Identifiers: ClinVar variation 3237393 (VCV003237393.1), dbSNP rs2536059238.